The following is an entry in ClinVar:

NM_001261826.3(AP3D1):c.1508T>C (p.Leu503Ser)

Gene: AP3D1 (adaptor related protein complex 3 subunit delta 1; minus strand). Cytogenetic location: 19p13.3.
Variant type: single nucleotide variant.
Coding change: c.1508T>C on transcript NM_001261826.3 (MANE Select); coding-DNA position 1508, T replaced by C.
Protein change: p.Leu503Ser; replaces leucine 503 with serine.
Molecular consequence: missense variant.
Genome position (GRCh38, 1-based): chr19:2,118,806, A>G on the plus strand (T>C on the coding strand, the complement: AP3D1 is on the minus strand). VCF-style: chr19-2118806-A-G. GRCh37 (hg19) VCF-style: chr19-2118805-A-G.
Other names: c.1508T>C, p.Leu503Ser (NM_001374799.1, NM_003938.8); short protein forms L503S.
Identifiers: ClinVar variation 3651361 (VCV003651361.2).

ClinVar aggregate classification (germline): Uncertain significance (1 of 4 stars; one submission).

gnomAD v4.1: 2 of 1,613,614 alleles (0.00012%); highest among the groups gnomAD compares: Admixed American, 0.0017%; no homozygotes.

Submission:

Labcorp Genetics (formerly Invitae), Labcorp
Classification: Uncertain significance. Last evaluated: 2025-01-06. Review status: criteria provided, single submitter. Criteria: Invitae Variant Classification Sherloc (09022015). Collection method: clinical testing. Allele origin: germline.
Comment: This sequence change replaces leucine, which is neutral and non-polar, with serine, which is neutral and polar, at codon 503 of the AP3D1 protein (p.Leu503Ser). This variant is present in population databases (no rsID available, gnomAD 0.003%). This variant has not been reported in the literature in individuals affected with AP3D1-related conditions. An algorithm developed to predict the effect of missense changes on protein structure and function (PolyPhen-2) suggests that this variant is likely to be disruptive. In summary, the available evidence is currently insufficient to determine the role of this variant in disease. Therefore, it has been classified as a Variant of Uncertain Significance.